The following is an entry in ClinVar:

ClinVar aggregate classification (germline): Likely pathogenic (1 of 4 stars; one submission).

Submission:

Labcorp Genetics (formerly Invitae), Labcorp
Classification: Likely pathogenic. Last evaluated: 2023-04-28. Review status: criteria provided, single submitter. Criteria: Invitae Variant Classification Sherloc (09022015). Collection method: clinical testing. Allele origin: germline.
Comment: In summary, the currently available evidence indicates that the variant is pathogenic, but additional data are needed to prove that conclusively. Therefore, this variant has been classified as Likely Pathogenic. Algorithms developed to predict the effect of sequence changes on RNA splicing suggest that this variant may disrupt the consensus splice site. This variant has not been reported in the literature in individuals affected with CEP152-related conditions. This variant is not present in population databases (gnomAD no frequency). This sequence change affects a splice site in intron 15 of the CEP152 gene. It is expected to disrupt RNA splicing. Variants that disrupt the donor or acceptor splice site typically lead to a loss of protein function (PMID: 16199547), and loss-of-function variants in CEP152 are known to be pathogenic (PMID: 21131973).

Literature cited by the submitters: PubMed 16199547; PubMed 21131973.

NM_001194998.2(CEP152):c.2018+2del

Gene: CEP152 (centrosomal protein 152; minus strand). Cytogenetic location: 15q21.1.
Variant type: Deletion.
Coding change: c.2018+2del on transcript NM_001194998.2 (MANE Select); the canonical splice donor site of the intron after coding-DNA position 2018, one base deleted (T; older notation c.2018+2delT).
Molecular consequence: splice donor variant.
Genome position (GRCh38, 1-based): chr15:48,768,217, A deleted on the plus strand (T on the coding strand, the reverse complement: CEP152 is on the minus strand). VCF-style (leftmost placement, unchanged base first): chr15-48768216-TA-T. GRCh37 (hg19) VCF-style: chr15-49060413-TA-T.
Other names: c.2018+2del (NM_014985.4).
Identifiers: ClinVar variation 2879007 (VCV002879007.3), dbSNP rs2504713247, ClinGen allele CA2739269456.
Genomic context (GRCh38, chr15:48,768,216, plus strand): 5'-GGCAGGGACTTAGAGGGGAAGGGTACCCAGGAGACAGTCGTCAGGCATCTATATAGACCT[TA>T]CCTATCCACAGCTTCTTGTTTGTCATGGTCAAAATCTTGTACCATTTGTCTCATTTGATT-3'